The following is an entry in ClinVar:

NM_001291303.3(FAT4):c.12100G>A (p.Glu4034Lys)

Gene: FAT4 (FAT atypical cadherin 4; plus strand). Cytogenetic location: 4q28.1.
Variant type: single nucleotide variant.
Coding change: c.12100G>A on transcript NM_001291303.3 (MANE Select); coding-DNA position 12100, G replaced by A.
Protein change: p.Glu4034Lys; replaces glutamic acid 4034 with lysine.
Molecular consequence: missense variant.
Genome position (GRCh38, 1-based): chr4:125,468,706, G>A. VCF-style: chr4-125468706-G-A. GRCh37 (hg19) VCF-style: chr4-126389861-G-A.
Other names: c.12100G>A, p.Glu4034Lys (NM_001291285.3); c.12094G>A, p.Glu4032Lys (NM_024582.6); short protein forms E4032K, E4034K.
Identifiers: ClinVar variation 1313997 (VCV001313997.2), dbSNP rs1277850395, ClinGen allele CA358128505.
Genomic context (GRCh38, chr4:125,468,706, plus strand): 5'-CTTTACAACTATGACAACCAGACAGGCGACCGGGCTGAGTTTTTGGCCCTTGAAATTGCC[G>A]AAGAAAGACTAAGATTCTCTTATAATTTAGGCAGTGGTACATATAAGCTCACCACCATGA-3'
Protein context (NP_001278232.1, residues 4024-4044): RAEFLALEIA[Glu4034Lys]ERLRFSYNLG

ClinVar aggregate classification (germline): Uncertain significance (1 of 4 stars; one submission).

Allele frequency attached by ClinVar (database versions not stated): gnomAD exomes below 0.00001 and 0.00001; gnomAD 0.00001; TOPMed 0.00003.
gnomAD v4.1: 15 of 1,613,996 alleles (0.00093%); highest among the groups gnomAD compares: Admixed American, 0.0017%; no homozygotes.

Submission:

GeneDx
Classification: Uncertain significance. Last evaluated: 2021-01-11. Review status: criteria provided, single submitter. Criteria: GeneDx Variant Classification Process June 2021. Collection method: clinical testing. Allele origin: germline. Affected: yes.
Comment: Not observed at a significant frequency in large population cohorts (Lek et al., 2016); In silico analysis supports that this missense variant does not alter protein structure/function; Has not been previously published as a pathogenic or benign germline variant to our knowledge; This variant is associated with the following publications: (PMID: 29936255)